The following is an entry in ClinVar:

NM_080632.3(UPF3B):c.145G>A (p.Ala49Thr)

Gene: UPF3B (UPF3B regulator of nonsense mediated mRNA decay; minus strand). Cytogenetic location: Xq24.
Variant type: single nucleotide variant.
Coding change: c.145G>A on transcript NM_080632.3 (MANE Select); coding-DNA position 145, G replaced by A.
Protein change: p.Ala49Thr; replaces alanine 49 with threonine.
Molecular consequence: missense variant.
Genome position (GRCh38, 1-based): chrX:119,852,784, C>T on the plus strand (G>A on the coding strand, the complement: UPF3B is on the minus strand). VCF-style: chrX-119852784-C-T. GRCh37 (hg19) VCF-style: chrX-118986747-C-T.
Other names: c.145G>A, p.Ala49Thr (NM_023010.4); short protein forms A49T.
Identifiers: ClinVar variation 3678763 (VCV003678763.2).

ClinVar aggregate classification (germline): Uncertain significance (1 of 4 stars; one submission).

Conditions:
Intellectual developmental disorder, X-linked, syndromic 14. Also called: Syndromic X-linked intellectual disability 14. Identifiers: Orphanet 776, MedGen C1970822, MONDO:0010398, OMIM 300676.

Submission:

Labcorp Genetics (formerly Invitae), Labcorp
Classification: Uncertain significance for Intellectual developmental disorder, X-linked, syndromic 14. Last evaluated: 2024-10-06. Review status: criteria provided, single submitter. Criteria: Invitae Variant Classification Sherloc (09022015). Collection method: clinical testing. Allele origin: germline.
Comment: This sequence change replaces alanine, which is neutral and non-polar, with threonine, which is neutral and polar, at codon 49 of the UPF3B protein (p.Ala49Thr). This variant is not present in population databases (gnomAD no frequency). This variant has not been reported in the literature in individuals affected with UPF3B-related conditions. Invitae Evidence Modeling of protein sequence and biophysical properties (such as structural, functional, and spatial information, amino acid conservation, physicochemical variation, residue mobility, and thermodynamic stability) indicates that this missense variant is not expected to disrupt UPF3B protein function with a negative predictive value of 80%. In summary, the available evidence is currently insufficient to determine the role of this variant in disease. Therefore, it has been classified as a Variant of Uncertain Significance.